The following is an entry in ClinVar:

NM_001042492.3(NF1):c.888+647C>G

Gene: NF1 (neurofibromin 1; plus strand). Cytogenetic location: 17q11.2.
Variant type: single nucleotide variant.
Coding change: c.888+647C>G on transcript NM_001042492.3 (MANE Select); 647 bases into the intron after coding-DNA position 888, C replaced by G.
Molecular consequence: intron variant.
Genome position (GRCh38, 1-based): chr17:31,183,312, C>G. VCF-style: chr17-31183312-C-G. GRCh37 (hg19) VCF-style: chr17-29510330-C-G.
Other names: c.888+647C>G (NM_000267.4, NM_001128147.3).
Identifiers: ClinVar variation 1330646 (VCV001330646.10), dbSNP rs185500742, ClinGen allele CA289335513.

ClinVar aggregate classification (germline): Likely benign. Review status: criteria provided, multiple submitters, no conflicts (2 of 4 stars). 3 submissions from 3 submitters: Likely benign (2). 1 of the submissions does not count toward it. Last evaluated 2024-11-21.

Conditions:
NF1-related disorder. Also called: NF1-related condition. Identifiers: MedGen CN379171.

Allele frequency attached by ClinVar (database versions not stated): 1000 Genomes Project 0.00180; gnomAD 0.00191 and 0.00193; 1000 Genomes Project 30x 0.00219; TOPMed 0.00225.

Submissions (3):

Blueprint Genetics
Classification: Likely benign. Last evaluated: 2024-11-21. Review status: criteria provided, single submitter. Criteria: ACMG Guidelines, 2015. Collection method: clinical testing. Allele origin: germline.

ARUP Laboratories, Molecular Genetics and Genomics, ARUP Laboratories
Classification: Likely benign. Last evaluated: 2020-12-21. Review status: criteria provided, single submitter. Criteria: ARUP Molecular Germline Variant Investigation Process 2021. Collection method: clinical testing. Allele origin: germline.

PreventionGenetics, part of Exact Sciences
Classification: Benign for NF1-related condition. Last evaluated: 2019-04-16. Review status: no assertion criteria provided. Collection method: clinical testing. Allele origin: germline. Not counted in ClinVar's aggregate classification.
Comment: This variant is classified as benign based on ACMG/AMP sequence variant interpretation guidelines (Richards et al. 2015 PMID: 25741868, with internal and published modifications).